The following is an entry in ClinVar:

NM_001105206.3(LAMA4):c.195+5A>G

Genes: LAMA4 (laminin subunit alpha 4; minus strand), LAMA4-AS1 (LAMA4 antisense RNA 1; plus strand). Cytogenetic location: 6q21.
Variant type: single nucleotide variant.
Coding change: c.195+5A>G on transcript NM_001105206.3 (MANE Select); 5 bases into the intron after coding-DNA position 195, A replaced by G.
Molecular consequence: intron variant. On other transcripts: missense variant (2).
Genome position (GRCh38, 1-based): chr6:112,253,951, T>C on the plus strand (A>G on the coding strand, the complement: LAMA4 is on the minus strand). VCF-style: chr6-112253951-T-C. GRCh37 (hg19) VCF-style: chr6-112575153-T-C.
Other names: c.200A>G, p.Gln67Arg (NM_001105208.3, NM_001105209.3); c.195+5A>G (NM_002290.5, NM_001105207.3); short protein forms Q67R.
Identifiers: ClinVar variation 4881237 (VCV004881237.2).

ClinVar aggregate classification (germline): Uncertain significance (1 of 4 stars; one submission).

gnomAD v4.1: 2 of 1,600,920 alleles (0.00012%); highest among the groups gnomAD compares: East Asian, 0.0023%; no homozygotes.

Submission:

Dasa
Classification: Uncertain significance. Last evaluated: 2026-01-19. Review status: criteria provided, single submitter. Criteria: DASA Assertion Criteria. Collection method: clinical testing. Allele origin: germline.
Comment: NM_001105208.3(LAMA4):c.200A>G (p.Gln67Arg) is a missense variant that results in the substitution of glutamine with arginine. This variant is rare in population databases. Computational prediction algorithms are consistent with a benign effect. The currently available literature and clinical evidence are not sufficient to establish a definitive association between this variant and the reported condition. Therefore, this variant is classified as a variant of uncertain significance.